The following is an entry in ClinVar:

ClinVar aggregate classification (germline): Conflicting classifications of pathogenicity. Review status: criteria provided, conflicting classifications (1 of 4 stars). 5 submissions from 4 submitters: Uncertain significance (4); Likely benign (1). Last evaluated 2025-02-12.

Conditions:
RASopathy. Also called: rasopathies; Noonan spectrum disorder. Identifiers: Orphanet 536391, MedGen C5555857, MONDO:0021060.
Cardiovascular phenotype. Identifiers: MedGen CN230736.
Noonan syndrome 4 (NS4). Also called: SOS1-Related Noonan Syndrome; NOONAN SYNDROME WITH PIGMENTED VILLONODULAR SYNOVITIS. Identifiers: Orphanet 648, MedGen C1853120, MONDO:0012547, OMIM 610733.
Fibromatosis, gingival, 1 (GINGF1). Identifiers: Orphanet 2024, MedGen C4551558, MONDO:0007609, OMIM 135300.

Allele frequency attached by ClinVar (database versions not stated): gnomAD 0.00003.
gnomAD v4.1: 4 of 1,604,778 alleles (0.00025%); highest among the groups gnomAD compares: African/African-American, 0.0054%; no homozygotes.

Submissions (5):

Labcorp Genetics (formerly Invitae), Labcorp
Classification: Uncertain significance for RASopathy. Last evaluated: 2025-02-12. Review status: criteria provided, single submitter. Criteria: Invitae Variant Classification Sherloc (09022015). Collection method: clinical testing. Allele origin: germline.
Comment: This sequence change replaces isoleucine, which is neutral and non-polar, with threonine, which is neutral and polar, at codon 663 of the SOS1 protein (p.Ile663Thr). This variant is not present in population databases (gnomAD no frequency). This variant has not been reported in the literature in individuals affected with SOS1-related conditions. ClinVar contains an entry for this variant (Variation ID: 1308834). Invitae Evidence Modeling of protein sequence and biophysical properties (such as structural, functional, and spatial information, amino acid conservation, physicochemical variation, residue mobility, and thermodynamic stability) indicates that this missense variant is not expected to disrupt SOS1 protein function with a negative predictive value of 95%. In summary, the available evidence is currently insufficient to determine the role of this variant in disease. Therefore, it has been classified as a Variant of Uncertain Significance.

Ambry Genetics
Classification: Likely benign for Cardiovascular phenotype. Last evaluated: 2024-09-21. Review status: criteria provided, single submitter. Criteria: Ambry Variant Classification Scheme 2023. Collection method: clinical testing. Allele origin: germline.

GeneDx
Classification: Uncertain significance. Last evaluated: 2019-10-01. Review status: criteria provided, single submitter. Criteria: GeneDx Variant Classification Process June 2021. Collection method: clinical testing. Allele origin: germline. Affected: yes.
Comment: Not observed in large population cohorts (Lek et al., 2016); The majority of missense variants in this gene are considered pathogenic (Stenson et al., 2014); In silico analysis, which includes protein predictors and evolutionary conservation, supports that this variant does not alter protein structure/function; Has not been previously published as pathogenic or benign to our knowledge

Genome-Nilou Lab
Classification: Uncertain significance for Noonan syndrome 4. Review status: criteria provided, single submitter. Criteria: ACMG Guidelines, 2015. Collection method: clinical testing. Allele origin: germline.

Genome-Nilou Lab
Classification: Uncertain significance for Fibromatosis, gingival, 1. Review status: criteria provided, single submitter. Criteria: ACMG Guidelines, 2015. Collection method: clinical testing. Allele origin: germline.

NM_005633.4(SOS1):c.1988T>C (p.Ile663Thr)

Gene: SOS1 (SOS Ras/Rac guanine nucleotide exchange factor 1; minus strand). Cytogenetic location: 2p22.1.
Variant type: single nucleotide variant.
Coding change: c.1988T>C on transcript NM_005633.4 (MANE Select); coding-DNA position 1988, T replaced by C.
Protein change: p.Ile663Thr; replaces isoleucine 663 with threonine.
Molecular consequence: missense variant.
Genome position (GRCh38, 1-based): chr2:39,013,942, A>G on the plus strand (T>C on the coding strand, the complement: SOS1 is on the minus strand). VCF-style: chr2-39013942-A-G. GRCh37 (hg19) VCF-style: chr2-39241083-A-G.
Other names: c.1967T>C, p.Ile656Thr (NM_001382394.1); c.1988T>C, p.Ile663Thr (NM_001382395.1); short protein forms I656T, I663T.
Identifiers: ClinVar variation 1308834 (VCV001308834.11), dbSNP rs1048869073, ClinGen allele CA45661900.